The following is an entry in ClinVar:

NM_016483.7(PHF7):c.874A>C (p.Ser292Arg)

Gene: PHF7 (PHD finger protein 7; plus strand). Cytogenetic location: 3p21.1.
Variant type: single nucleotide variant.
Coding change: c.874A>C on transcript NM_016483.7 (MANE Select); coding-DNA position 874, A replaced by C.
Protein change: p.Ser292Arg; replaces serine 292 with arginine.
Molecular consequence: missense variant.
Genome position (GRCh38, 1-based): chr3:52,422,836, A>C. VCF-style: chr3-52422836-A-C. GRCh37 (hg19) VCF-style: chr3-52456852-A-C.
Other names: c.757A>C, p.Ser253Arg (NM_001278221.3); c.874A>C, p.Ser292Arg (NM_001321126.2, NM_001321127.2); short protein forms S253R, S292R.
Identifiers: ClinVar variation 4995458 (VCV004995458.1).

ClinVar aggregate classification (germline): Uncertain significance (1 of 4 stars; one submission).

Conditions:
PHF7-related disorder. Also called: PHF7-related condition.

Submission:

PreventionGenetics, part of Exact Sciences
Classification: Uncertain significance for PHF7-related condition. Last evaluated: 2025-12-16. Review status: criteria provided, single submitter. Criteria: ACMG Guidelines, 2015. Collection method: clinical testing. Allele origin: germline.
Comment: The PHF7 c.874A>C variant is predicted to result in the amino acid substitution p.Ser292Arg. To our knowledge, this variant has not been reported in the literature or in a large population database (gnomAD), indicating this variant is rare. At this time, the clinical significance of this variant is uncertain due to the absence of conclusive functional and genetic evidence.